The following is an entry in ClinVar:

ClinVar aggregate classification (germline): Uncertain significance (1 of 4 stars; one submission).

Conditions:
Immunodeficiency 35 (IMD35). Also called: Susceptibility to infection due to TYK2 deficiency; HIES WITH ATYPICAL MYCOBACTERIOSIS, AUTOSOMAL RECESSIVE; HYPER-IgE SYNDROME WITH ATYPICAL MYCOBACTERIOSIS, AUTOSOMAL RECESSIVE; TYK2 DEFICIENCY. Identifiers: Orphanet 331226, MedGen C1969086, MONDO:0012682, OMIM 611521.

Allele frequency attached by ClinVar (database versions not stated): gnomAD exomes below 0.00001.
gnomAD v4.1: 3 of 1,609,432 alleles (0.00019%); highest among the groups gnomAD compares: East Asian, 0.0045%; no homozygotes.

Submission:

Labcorp Genetics (formerly Invitae), Labcorp
Classification: Uncertain significance for Immunodeficiency 35. Last evaluated: 2022-06-28. Review status: criteria provided, single submitter. Criteria: Invitae Variant Classification Sherloc (09022015). Collection method: clinical testing. Allele origin: germline.
Comment: In summary, the available evidence is currently insufficient to determine the role of this variant in disease. Therefore, it has been classified as a Variant of Uncertain Significance. Algorithms developed to predict the effect of missense changes on protein structure and function are either unavailable or do not agree on the potential impact of this missense change (SIFT: "Not Available"; PolyPhen-2: "Probably Damaging"; Align-GVGD: "Not Available"). This variant has not been reported in the literature in individuals affected with TYK2-related conditions. The frequency data for this variant in the population databases is considered unreliable, as metrics indicate poor data quality at this position in the gnomAD database. This sequence change replaces leucine, which is neutral and non-polar, with valine, which is neutral and non-polar, at codon 730 of the TYK2 protein (p.Leu730Val).

NM_003331.5(TYK2):c.2188C>G (p.Leu730Val)

Gene: TYK2 (tyrosine kinase 2; minus strand). Cytogenetic location: 19p13.2.
Variant type: single nucleotide variant.
Coding change: c.2188C>G on transcript NM_003331.5 (MANE Select); coding-DNA position 2188, C replaced by G.
Protein change: p.Leu730Val; replaces leucine 730 with valine.
Molecular consequence: missense variant.
Genome position (GRCh38, 1-based): chr19:10,358,126, G>C on the plus strand (C>G on the coding strand, the complement: TYK2 is on the minus strand). VCF-style: chr19-10358126-G-C. GRCh37 (hg19) VCF-style: chr19-10468802-G-C.
Other names: c.2188C>G, p.Leu730Val (NM_001385197.1, NM_001385198.1, NM_001385200.1 and 2 more transcripts); c.2002C>G, p.Leu668Val (NM_001385199.1); c.1990C>G, p.Leu664Val (NM_001385201.1); c.2104C>G, p.Leu702Val (NM_001385202.1); c.2098C>G, p.Leu700Val (NM_001385205.1); c.2062C>G, p.Leu688Val (NM_001385206.1); c.2170C>G, p.Leu724Val (NM_001385207.1); short protein forms L700V, L702V, L724V, L664V, L668V, L688V, L730V.
Identifiers: ClinVar variation 1395110 (VCV001395110.6), dbSNP rs1316426026, ClinGen allele CA403998719.